The following is an entry in ClinVar:

ClinVar aggregate classification (germline): Uncertain significance (1 of 4 stars; one submission).

Conditions:
Pseudopseudohypoparathyroidism (PPHP). Also called: Pseudopseudohypoparathyroidism (PPHP); ALBRIGHT HEREDITARY OSTEODYSTROPHY WITHOUT MULTIPLE HORMONE RESISTANCE. Identifiers: Orphanet 79445, MedGen C0033835, MONDO:0012912, OMIM 612463.

gnomAD v4.1: 3 of 1,605,558 alleles (0.00019%); highest among the groups gnomAD compares: African/African-American, 0.004%; no homozygotes.

Submission:

Clinical Genomics Laboratory, Washington University in St. Louis
Classification: Uncertain significance for Pseudopseudohypoparathyroidism. Last evaluated: 2024-03-14. Review status: criteria provided, single submitter. Criteria: ACMG Guidelines, 2015. Collection method: clinical testing. Allele origin: germline.
Comment: A GNAS c.536C>T (p.Pro179Leu) variant was identified at a near heterozygous allelic fraction of 49.4%, a frequency which may be consistent with germline origin. To our knowledge, this variant has not been reported in the medical literature. It is only observed on 3/1,605,558 alleles in the general population (gnomAD v.4.0.0), indicating it is not a common variant. Computational predictors suggest that the variant does not impact GNAS function. Due to limited information, and based on ACMG/AMP guidelines for variant interpretation (Richards S et al., PMID: 25741868), the clinical significance of this variant is uncertain at this time.

NM_016592.5(GNAS):c.536C>T (p.Pro179Leu)

Genes: GNAS (GNAS complex locus; plus strand), GNAS-AS1 (GNAS antisense RNA 1; minus strand). Cytogenetic location: 20q13.32.
Variant type: single nucleotide variant.
Coding change: c.536C>T on transcript NM_016592.5 (MANE Plus Clinical); coding-DNA position 536, C replaced by T.
Protein change: p.Pro179Leu; replaces proline 179 with leucine.
Molecular consequence: missense variant. On other transcripts: 5 prime UTR variant (1).
Genome position (GRCh38, 1-based): chr20:58,840,642, C>T. VCF-style: chr20-58840642-C-T. GRCh37 (hg19) VCF-style: chr20-57415697-C-T.
Other names: c.-202C>T (NM_001410912.1); short protein forms P179L.
Identifiers: ClinVar variation 3237441 (VCV003237441.1), dbSNP rs749569559.